The following is an entry in ClinVar:

ClinVar aggregate classification (germline): Benign (0 of 4 stars; one submission).

Conditions:
TRPM7-related disorder. Also called: TRPM7-related condition.

Allele frequency attached by ClinVar (database versions not stated): 1000 Genomes Project 0.00020; gnomAD exomes 0.00024; 1000 Genomes Project 30x 0.00031; gnomAD 0.00046; TOPMed 0.00054; ExAC 0.00090.
gnomAD v4.1: 421 of 1,590,048 alleles (0.026%); highest among the groups gnomAD compares: East Asian, 0.59%; 5 homozygotes.

Submission:

PreventionGenetics, part of Exact Sciences
Classification: Benign for TRPM7-related condition. Last evaluated: 2019-11-21. Review status: no assertion criteria provided. Collection method: clinical testing. Allele origin: germline.
Comment: This variant is classified as benign based on ACMG/AMP sequence variant interpretation guidelines (Richards et al. 2015 PMID: 25741868, with internal and published modifications).

NM_017672.6(TRPM7):c.1635+4T>C

Gene: TRPM7 (transient receptor potential cation channel subfamily M member 7; minus strand). Cytogenetic location: 15q21.2.
Variant type: single nucleotide variant.
Coding change: c.1635+4T>C on transcript NM_017672.6 (MANE Select); 4 bases into the intron after coding-DNA position 1635, T replaced by C.
Molecular consequence: intron variant.
Genome position (GRCh38, 1-based): chr15:50,614,119, A>G on the plus strand (T>C on the coding strand, the complement: TRPM7 is on the minus strand). VCF-style: chr15-50614119-A-G. GRCh37 (hg19) VCF-style: chr15-50906316-A-G.
Other names: c.1635+4T>C (NM_001301212.2).
Identifiers: ClinVar variation 3050165 (VCV003050165.2), dbSNP rs142557742, ClinGen allele CA7557622.